The following is an entry in ClinVar:

NM_006206.6(PDGFRA):c.3195G>T (p.Glu1065Asp)

Gene: PDGFRA (platelet derived growth factor receptor alpha; plus strand). Cytogenetic location: 4q12.
Variant type: single nucleotide variant.
Coding change: c.3195G>T on transcript NM_006206.6 (MANE Select); coding-DNA position 3195, G replaced by T.
Protein change: p.Glu1065Asp; replaces glutamic acid 1065 with aspartic acid.
Molecular consequence: missense variant.
Genome position (GRCh38, 1-based): chr4:54,295,197, G>T. VCF-style: chr4-54295197-G-T. GRCh37 (hg19) VCF-style: chr4-55161364-G-T.
Other names: c.3270G>T, p.Glu1090Asp (NM_001347828.2); c.3195G>T, p.Glu1065Asp (NM_001347829.2); c.3234G>T, p.Glu1078Asp (NM_001347830.2); short protein forms E1065D, E1078D, E1090D.
Identifiers: ClinVar variation 3225305 (VCV003225305.1), dbSNP rs1724822643, ClinGen allele CA356896601.
Genomic context (GRCh38, chr4:54,295,197, plus strand): 5'-TGAAGAGAGTGCCATTGAGACGGGTTCCAGCAGTTCCACCTTCATCAAGAGAGAGGACGA[G>T]ACCATTGAAGACATCGACATGATGGATGACATCGGCATAGACTCTTCAGACCTGGTGGAA-3'
Protein context (NP_006197.1, residues 1055-1075): SSSTFIKRED[Glu1065Asp]TIEDIDMMDD

ClinVar aggregate classification (germline): Uncertain significance (1 of 4 stars; one submission).

Conditions:
Hereditary cancer-predisposing syndrome. Also called: Neoplastic Syndromes, Hereditary; Tumor predisposition; Hereditary neoplastic syndrome; Hereditary Cancer Syndrome. Identifiers: Orphanet 140162, MedGen C0027672, MeSH D009386, MONDO:0015356.

Allele frequency attached by ClinVar (database versions not stated): gnomAD exomes below 0.00001.
gnomAD v4.1: 1 of 1,613,694 alleles (0.000062%); highest among the groups gnomAD compares: Non-Finnish European, 0.000085%; no homozygotes.

Submission:

Ambry Genetics
Classification: Uncertain significance for Hereditary cancer-predisposing syndrome. Last evaluated: 2024-01-31. Review status: criteria provided, single submitter. Criteria: Ambry Variant Classification Scheme 2023. Collection method: clinical testing. Allele origin: germline.
Comment: The p.E1065D variant (also known as c.3195G>T), located in coding exon 22 of the PDGFRA gene, results from a G to T substitution at nucleotide position 3195. The glutamic acid at codon 1065 is replaced by aspartic acid, an amino acid with highly similar properties. This amino acid position is conserved. In addition, this alteration is predicted to be tolerated by in silico analysis. Based on the available evidence, the clinical significance of this alteration remains unclear.